The following is an entry in ClinVar:

ClinVar aggregate classification (germline): Conflicting classifications of pathogenicity. Review status: criteria provided, conflicting classifications (1 of 4 stars). 5 submissions from 5 submitters: Likely pathogenic (1); Uncertain significance (4). Last evaluated 2026-07-07.

Conditions:
ABCA4-related disorder. Also called: ABCA4-related disorders; ABCA4-related condition. Identifiers: MedGen CN239167.

Allele frequency attached by ClinVar (database versions not stated): TOPMed below 0.00001; gnomAD 0.00001.
gnomAD v4.1: 1 of 1,613,916 alleles (0.000062%); highest among the groups gnomAD compares: African/African-American, 0.0013%; no homozygotes.

Submissions (5):

PreventionGenetics, part of Exact Sciences
Classification: Uncertain significance for ABCA4-related condition. Last evaluated: 2026-07-07. Review status: criteria provided, single submitter. Criteria: ACMG Guidelines, 2015. Collection method: clinical testing. Allele origin: germline.
Comment: The ABCA4 c.2608C>T variant is predicted to result in the amino acid substitution p.Pro870Ser. This variant has been reported in at least two individuals with Stargardt disease along with two pathogenic ABCA4 variants (p.Val989Ala and p.Arg2107His), phases unknown (Zernant et al. 2014. PubMed ID: 25066811; Fujinami et al. 2018. PubMed ID: 29925512; PreventionGenetics, internal data). This variant has not been reported in a large population database (gnomAD), indicating this variant is rare. An alternate missense change at this amino acid position (p.Pro870Leu) has been reported in individuals with retinal disease (supplementary data, Zaneveld et al. 2015. PubMed ID: 25474345). At this time, the clinical significance of this variant is uncertain due to the absence of conclusive functional and genetic evidence.

Labcorp Genetics (formerly Invitae), Labcorp
Classification: Likely pathogenic. Last evaluated: 2025-10-23. Review status: criteria provided, single submitter. Criteria: Invitae Variant Classification Sherloc (09022015). Collection method: clinical testing. Allele origin: germline.
Comment: This sequence change replaces proline, which is neutral and non-polar, with serine, which is neutral and polar, at codon 870 of the ABCA4 protein (p.Pro870Ser). This variant is not present in population databases (gnomAD no frequency). This missense change has been observed in individual(s) with Stargardt disease (PMID: 25066811). ClinVar contains an entry for this variant (Variation ID: 265014). Invitae Evidence Modeling of protein sequence and biophysical properties (such as structural, functional, and spatial information, amino acid conservation, physicochemical variation, residue mobility, and thermodynamic stability) has been performed for this missense variant. However, the output from this modeling did not meet the statistical confidence thresholds required to predict the impact of this variant on ABCA4 protein function. This variant disrupts the p.Pro870 amino acid residue in ABCA4. Other variant(s) that disrupt this residue have been determined to be pathogenic (PMID: 25474345, 28118664, 29925512; internal data). This suggests that this residue is clinically significant, and that variants that disrupt this residue are likely to be disease-causing. In summary, the currently available evidence indicates that the variant is pathogenic, but additional data are needed to prove that conclusively. Therefore, this variant has been classified as Likely Pathogenic.

Women's Health and Genetics/Laboratory Corporation of America, LabCorp
Classification: Uncertain significance. Last evaluated: 2025-09-10. Review status: criteria provided, single submitter. Criteria: LabCorp Variant Classification Summary - May 2015. Collection method: clinical testing. Allele origin: germline.
Comment: Variant summary: ABCA4 c.2608C>T (p.Pro870Ser) results in a non-conservative amino acid change in the encoded protein sequence. Algorithms developed to predict the effect of missense changes on protein structure and function all suggest that this variant is likely to be disruptive. The variant was absent in 251428 control chromosomes. c.2608C>T has been observed in compound heterozygous individuals affected with Stargardt disease, including a patient with multiple variants without reported phase (e.g. Zernant_2014, Fujinami_2019). These data do not allow any conclusion about variant significance. A different variant affecting the same codon has been classified as likely pathogenic/pathogenic by our lab (c.2609C>T, p.Pro870Leu), supporting the critical relevance of codon 870 to ABCA4 protein function. To our knowledge, no experimental evidence demonstrating an impact on protein function has been reported. The following publications have been ascertained in the context of this evaluation (PMID: 29925512, 25066811). ClinVar contains an entry for this variant (Variation ID: 265014). Based on the evidence outlined above, the variant was classified as VUS-possibly pathogenic.

Blueprint Genetics
Classification: Uncertain significance. Last evaluated: 2021-09-25. Review status: criteria provided, single submitter. Criteria: ACMG Guidelines, 2015. Collection method: clinical testing. Allele origin: germline.

GeneDx
Classification: Uncertain significance. Last evaluated: 2020-02-27. Review status: criteria provided, single submitter. Criteria: GeneDx Variant Classification Process June 2021. Collection method: clinical testing. Allele origin: germline. Affected: yes.
Comment: Not observed in large population cohorts (Lek et al., 2016); In silico analysis supports that this missense variant has a deleterious effect on protein structure/function; This variant is associated with the following publications: (PMID: 25066811, 29925512)

Literature cited by the submitters: PubMed 25066811 (cited by Labcorp Genetics (formerly Invitae), Labcorp and Women's Health and Genetics/Laboratory Corporation of America, LabCorp); PubMed 25474345 (cited by Labcorp Genetics (formerly Invitae), Labcorp); PubMed 28118664 (cited by Labcorp Genetics (formerly Invitae), Labcorp); PubMed 29925512 (cited by Labcorp Genetics (formerly Invitae), Labcorp and Women's Health and Genetics/Laboratory Corporation of America, LabCorp).

NM_000350.3(ABCA4):c.2608C>T (p.Pro870Ser)

Gene: ABCA4 (ATP binding cassette subfamily A member 4; minus strand). Cytogenetic location: 1p22.1.
Variant type: single nucleotide variant.
Coding change: c.2608C>T on transcript NM_000350.3 (MANE Select); coding-DNA position 2608, C replaced by T.
Protein change: p.Pro870Ser; replaces proline 870 with serine.
Molecular consequence: missense variant.
Genome position (GRCh38, 1-based): chr1:94,051,678, G>A on the plus strand (C>T on the coding strand, the complement: ABCA4 is on the minus strand). VCF-style: chr1-94051678-G-A. GRCh37 (hg19) VCF-style: chr1-94517234-G-A.
Other names: c.2386C>T, p.Pro796Ser (NM_001425324.1); short protein forms P870S, P796S.
Identifiers: ClinVar variation 265014 (VCV000265014.12), dbSNP rs867875828, ClinGen allele CA10588301.
Genomic context (GRCh38, chr1:94,051,678, plus strand): 5'-TTTTAAAGGACTCACCTTCACCGCCAAGCCAATACGACTCTTGTAGAAGAAAGTACCAAG[G>A]AAGTGGGGTTCCATAGTCTCCTAAAAATAGAGACAAATAAACAGAGAAAGTCGAAGGAGT-3'
Protein context (NP_000341.2, residues 860-880): VFPGDYGTPL[Pro870Ser]WYFLLQESYW